The following is an entry in ClinVar:

NM_001267550.2(TTN):c.75053T>C (p.Val25018Ala)

Genes: TTN (titin; minus strand), TTN-AS1 (TTN antisense RNA 1; plus strand). Cytogenetic location: 2q31.2.
Variant type: single nucleotide variant.
Coding change: c.75053T>C on transcript NM_001267550.2 (MANE Select); coding-DNA position 75053, T replaced by C.
Protein change: p.Val25018Ala; replaces valine 25018 with alanine.
Molecular consequence: missense variant.
Genome position (GRCh38, 1-based): chr2:178,571,079, A>G on the plus strand (T>C on the coding strand, the complement: TTN is on the minus strand). VCF-style: chr2-178571079-A-G. GRCh37 (hg19) VCF-style: chr2-179435806-A-G.
Other names: c.75053T>C (LRG_391t1); c.70130T>C, p.Val23377Ala (NM_001256850.1); c.47858T>C, p.Val15953Ala (NM_003319.4); c.67349T>C, p.Val22450Ala (NM_133378.4); c.48233T>C, p.Val16078Ala (NM_133432.3); c.48434T>C, p.Val16145Ala (NM_133437.4); short protein forms V25018A, V22450A, V23377A, V15953A, V16078A, V16145A.
Identifiers: ClinVar variation 586898 (VCV000586898.11), dbSNP rs745832906, ClinGen allele CA1990111.

ClinVar aggregate classification (germline): Conflicting classifications of pathogenicity. Review status: criteria provided, conflicting classifications (1 of 4 stars). 10 submissions from 6 submitters: Uncertain significance (9); Likely benign (1). Last evaluated 2026-06-17.

Conditions:
TTN-related disorder. Also called: TTN-related condition; TTN-related disease; TTN-related disorders.
Hypertrophic cardiomyopathy 9. Also called: Familial hypertrophic cardiomyopathy 9. Identifiers: MedGen C1861065, MONDO:0013412, OMIM 613765.
Early-onset myopathy with fatal cardiomyopathy (CMYO5). Also called: CONGENITAL MYOPATHY 5 WITH CARDIOMYOPATHY; Salih Myopathy. Identifiers: Orphanet 289377, MedGen C2673677, MONDO:0012714, OMIM 611705. Disease mechanism: loss of function.
Autosomal recessive limb-girdle muscular dystrophy type 2J (LGMDR10). Also called: MUSCULAR DYSTROPHY, LIMB-GIRDLE, AUTOSOMAL RECESSIVE 10; Limb-girdle muscular dystrophy, type 2J. Identifiers: Orphanet 140922, MedGen C1837342, MONDO:0012127, OMIM 608807.
Dilated cardiomyopathy 1G (CMD1G). Identifiers: Orphanet 154, MedGen C1858763, MONDO:0011400, OMIM 604145.
Myopathy, myofibrillar, 9, with early respiratory failure (MFM9). Also called: Myopathy, distal, with early respiratory failure, autosomal dominant; Hereditary myopathy with early respiratory failure; EDSTROM MYOPATHY; MYOPATHY, PROXIMAL, WITH EARLY RESPIRATORY MUSCLE INVOLVEMENT. Identifiers: Orphanet 178464, Orphanet 34521, MedGen C1863599, MONDO:0011362, OMIM 603689.
Tibial muscular dystrophy (TMD). Also called: Tibial muscular dystrophy, tardive; Udd Distal Myopathy – Tibial Muscular Dystrophy; UDD MYOPATHY. Identifiers: Orphanet 609, MedGen C1838244, MONDO:0010870, OMIM 600334.
Cardiovascular phenotype. Identifiers: MedGen CN230736.

Allele frequency attached by ClinVar (database versions not stated): ExAC 0.00001; gnomAD 0.00001; gnomAD exomes 0.00001 and 0.00003; TOPMed 0.00001.
gnomAD v4.1: 46 of 1,612,978 alleles (0.0029%); highest among the groups gnomAD compares: Non-Finnish European, 0.0039%; no homozygotes.

Submissions (10):

PreventionGenetics, part of Exact Sciences
Classification: Uncertain significance for TTN-related condition. Last evaluated: 2026-06-17. Review status: criteria provided, single submitter. Criteria: ACMG Guidelines, 2015. Collection method: clinical testing. Allele origin: germline.
Comment: The TTN c.75053T>C variant is predicted to result in the amino acid substitution p.Val25018Ala. This variant has been reported in an individual with arrhythmogenic cardiomyopathy (Supplemental Table 2, Poloni et al. 2018. PubMed ID: 30453078). This variant is reported in 0.0023% of alleles in individuals of European (Non-Finnish) descent in gnomAD and is interpreted as uncertain in ClinVar (Variation ID: 586898). At this time, the clinical significance of this variant is uncertain due to the absence of conclusive functional and genetic evidence.

Blueprint Genetics
Classification: Likely benign. Last evaluated: 2023-01-11. Review status: criteria provided, single submitter. Criteria: ACMG Guidelines, 2015. Collection method: clinical testing. Allele origin: germline.

Fulgent Genetics
Classification: Uncertain significance for Tibial muscular dystrophy; Myopathy, myofibrillar, 9, with early respiratory failure; Dilated cardiomyopathy 1G; Autosomal recessive limb-girdle muscular dystrophy type 2J; Early-onset myopathy with fatal cardiomyopathy; Hypertrophic cardiomyopathy 9. Last evaluated: 2021-07-28. Review status: criteria provided, single submitter. Criteria: ACMG Guidelines, 2015. Collection method: clinical testing. Allele origin: unknown.

Ambry Genetics
Classification: Uncertain significance for Cardiovascular phenotype. Last evaluated: 2020-07-17. Review status: criteria provided, single submitter. Criteria: Ambry Variant Classification Scheme 2023. Collection method: clinical testing. Allele origin: germline.
Comment: The p.V15953A variant (also known as c.47858T>C), located in coding exon 153 of the TTN gene, results from a T to C substitution at nucleotide position 47858. The valine at codon 15953 is replaced by alanine, an amino acid with similar properties. This variant was identified in one individual with arrhythmogenic cardiomyopathy (Poloni G et al. Heart Rhythm, 2019 05;16:773-780). This amino acid position is highly conserved in available vertebrate species. In addition, this alteration is predicted to be tolerated by in silico analysis. Since supporting evidence is limited at this time, the clinical significance of this alteration remains unclear.

Illumina Laboratory Services, Illumina
Classification: Uncertain significance for Myopathy, myofibrillar, 9, with early respiratory failure. Last evaluated: 2018-01-13. Review status: criteria provided, single submitter. Criteria: ICSL Variant Classification Criteria 13 December 2019. Collection method: clinical testing. Allele origin: germline.

Illumina Laboratory Services, Illumina
Classification: Uncertain significance for Autosomal recessive limb-girdle muscular dystrophy type 2J. Last evaluated: 2018-01-13. Review status: criteria provided, single submitter. Criteria: ICSL Variant Classification Criteria 13 December 2019. Collection method: clinical testing. Allele origin: germline.

Illumina Laboratory Services, Illumina
Classification: Uncertain significance for Early-onset myopathy with fatal cardiomyopathy. Last evaluated: 2018-01-13. Review status: criteria provided, single submitter. Criteria: ICSL Variant Classification Criteria 13 December 2019. Collection method: clinical testing. Allele origin: germline.

Illumina Laboratory Services, Illumina
Classification: Uncertain significance for Tibial muscular dystrophy. Last evaluated: 2018-01-13. Review status: criteria provided, single submitter. Criteria: ICSL Variant Classification Criteria 13 December 2019. Collection method: clinical testing. Allele origin: germline.

Illumina Laboratory Services, Illumina
Classification: Uncertain significance for Dilated cardiomyopathy 1G. Last evaluated: 2018-01-13. Review status: criteria provided, single submitter. Criteria: ICSL Variant Classification Criteria 13 December 2019. Collection method: clinical testing. Allele origin: germline.

Athena Diagnostics
Classification: Uncertain significance. Last evaluated: 2017-10-10. Review status: criteria provided, single submitter. Criteria: Athena Diagnostics Criteria. Collection method: clinical testing. Allele origin: germline.

Literature cited by the submitters: PubMed 30453078 (cited by Ambry Genetics).